The following is an entry in ClinVar:

ClinVar aggregate classification (germline): Pathogenic. Review status: criteria provided, multiple submitters, no conflicts (2 of 4 stars). 3 submissions from 2 submitters: Pathogenic (3). Last evaluated 2024-02-20.

Conditions:
Severe early-childhood-onset retinal dystrophy (STGD1). Also called: Stargardt macular dystrophy; Juvenile onset macular degeneration; Stargardt disease 1; STGD; MACULAR DYSTROPHY WITH FLECKS, TYPE 1. Identifiers: Orphanet 364055, Orphanet 827, MedGen C1855465, MeSH D000080362, MONDO:0009549, OMIM 248200.
Retinal dystrophy. Also called: Inherited retinal dystrophy. Identifiers: Orphanet 71862, MedGen C0854723, MeSH D058499, MONDO:0019118, HP:0000556.

Allele frequency attached by ClinVar (database versions not stated): TOPMed below 0.00001; gnomAD 0.00001.
gnomAD v4.1: 1 of 1,614,026 alleles (0.000062%); highest among the groups gnomAD compares: Non-Finnish European, 0.000085%; no homozygotes.

Submissions (3):

Labcorp Genetics (formerly Invitae), Labcorp
Classification: Pathogenic. Last evaluated: 2024-02-20. Review status: criteria provided, single submitter. Criteria: Invitae Variant Classification Sherloc (09022015). Collection method: clinical testing. Allele origin: germline.
Comment: This sequence change creates a premature translational stop signal (p.Tyr528*) in the ABCA4 gene. It is expected to result in an absent or disrupted protein product. Loss-of-function variants in ABCA4 are known to be pathogenic (PMID: 10958761, 24938718, 25312043, 26780318). This variant is not present in population databases (gnomAD no frequency). This premature translational stop signal has been observed in individual(s) with ABCA4-related conditions (PMID: 28118664, 29555955). ClinVar contains an entry for this variant (Variation ID: 236082). Algorithms developed to predict the effect of sequence changes on RNA splicing suggest that this variant may disrupt the consensus splice site. For these reasons, this variant has been classified as Pathogenic.

Institute of Human Genetics, Univ. Regensburg, Univ. Regensburg
Classification: Pathogenic for Retinal dystrophy. Last evaluated: 2020-01-01. Review status: criteria provided, single submitter. Criteria: ACMG Guidelines, 2015. Collection method: clinical testing. Allele origin: germline. Affected: yes.

Institute of Human Genetics, Univ. Regensburg, Univ. Regensburg
Classification: Pathogenic for Severe early-childhood-onset retinal dystrophy. Last evaluated: 2016-01-01. Review status: criteria provided, single submitter. Criteria: Schulz et al. (Invest Ophthalmol Vis Sci. 2017). Collection method: clinical testing. Allele origin: germline. Affected: yes. Observed: 1 heterozygote.

Literature cited by the submitters: PubMed 10958761 (cited by Labcorp Genetics (formerly Invitae), Labcorp); PubMed 24938718 (cited by Labcorp Genetics (formerly Invitae), Labcorp); PubMed 25312043 (cited by Labcorp Genetics (formerly Invitae), Labcorp); PubMed 26780318 (cited by Labcorp Genetics (formerly Invitae), Labcorp); PubMed 28118664 (cited by Labcorp Genetics (formerly Invitae), Labcorp and Institute of Human Genetics, Univ. Regensburg, Univ. Regensburg); PubMed 29555955 (cited by Labcorp Genetics (formerly Invitae), Labcorp); PubMed 2955595 (cited by Institute of Human Genetics, Univ. Regensburg, Univ. Regensburg).

NM_000350.3(ABCA4):c.1584C>A (p.Tyr528Ter)

Gene: ABCA4 (ATP binding cassette subfamily A member 4; minus strand). Cytogenetic location: 1p22.1.
Variant type: single nucleotide variant.
Coding change: c.1584C>A on transcript NM_000350.3 (MANE Select); coding-DNA position 1584, C replaced by A.
Protein change: p.Tyr528Ter; replaces tyrosine 528 with a stop codon.
Molecular consequence: nonsense.
Genome position (GRCh38, 1-based): chr1:94,063,288, G>T on the plus strand (C>A on the coding strand, the complement: ABCA4 is on the minus strand). VCF-style: chr1-94063288-G-T. GRCh37 (hg19) VCF-style: chr1-94528844-G-T.
Other names: c.1584C>A, p.Tyr528Ter (NM_001425324.1); short protein forms Y528*.
Identifiers: ClinVar variation 236082 (VCV000236082.5), dbSNP rs886044727, ClinGen allele CA10602448.